The following is an entry in ClinVar:

ClinVar aggregate classification (germline): Uncertain significance (1 of 4 stars; one submission).

Submission:

Mayo Clinic Laboratories, Mayo Clinic
Classification: Uncertain significance. Last evaluated: 2023-01-03. Review status: criteria provided, single submitter. Criteria: ACMG Guidelines, 2015. Collection method: clinical testing. Allele origin: germline. Observed: 1 variant allele.
Comment: PP3, PM2_supporting

NM_000536.4(RAG2):c.1228G>C (p.Glu410Gln)

Gene: RAG2 (recombination activating 2; minus strand). Cytogenetic location: 11p12.
Variant type: single nucleotide variant.
Coding change: c.1228G>C on transcript NM_000536.4 (MANE Select); coding-DNA position 1228, G replaced by C.
Protein change: p.Glu410Gln; replaces glutamic acid 410 with glutamine.
Molecular consequence: missense variant.
Genome position (GRCh38, 1-based): chr11:36,592,941, C>G on the plus strand (G>C on the coding strand, the complement: RAG2 is on the minus strand). VCF-style: chr11-36592941-C-G. GRCh37 (hg19) VCF-style: chr11-36614491-C-G.
Other names: p.Glu410Gln; c.1228G>C, p.Glu410Gln (NM_001243785.2, NM_001243786.2); short protein forms E410Q.
Identifiers: ClinVar variation 2683146 (VCV002683146.1), dbSNP rs2494789285, ClinGen allele CA380140828.
Genomic context (GRCh38, chr11:36,592,941, plus strand): 5'-AAGTGTTGATATCCACATCACAAGTAGGGCAGCATGTAATCCAGTAGCCTGTCTCAGACT[C>G]ATCTTCTTCATCATCTTCATTATAGGTGTCAAATTCATCATCACCATCAAAACTATTTGC-3'
Protein context (NP_000527.2, residues 400-420): DTYNEDDEED[Glu410Gln]SETGYWITCC